The following is an entry in ClinVar:

NM_000142.5(FGFR3):c.746C>G (p.Ser249Cys)

Gene: FGFR3 (fibroblast growth factor receptor 3; plus strand). Cytogenetic location: 4p16.3.
Variant type: single nucleotide variant.
Coding change: c.746C>G on transcript NM_000142.5 (MANE Select); coding-DNA position 746, C replaced by G.
Protein change: p.Ser249Cys; replaces serine 249 with cysteine.
Molecular consequence: missense variant. On other transcripts: non-coding transcript variant (1).
Genome position (GRCh38, 1-based): chr4:1,801,841, C>G. VCF-style: chr4-1801841-C-G. GRCh37 (hg19) VCF-style: chr4-1803568-C-G.
Other names: c.746C>G, p.Ser249Cys (NM_001163213.2, NM_001354809.2, NM_001354810.2 and 1 more transcripts); short protein forms S249C.
Identifiers: ClinVar variation 16339 (VCV000016339.57), dbSNP rs121913483, ClinGen allele CA126380.

ClinVar aggregate classification (germline): Pathogenic. Review status: criteria provided, multiple submitters, no conflicts (2 of 4 stars). 29 submissions from 26 submitters: Pathogenic (19). 10 of the submissions do not count toward it. Last evaluated 2026-06-23.
ClinVar aggregate classification (oncogenicity): Oncogenic. Review status: criteria provided, multiple submitters, no conflicts (2 of 4 stars). 2 submissions from 2 submitters. Last evaluated 2025-12-29.

Conditions:
Hypochondroplasia (HCH). Identifiers: Orphanet 429, MedGen C0410529, MONDO:0007793, OMIM 146000. Disease mechanism: gain of function.
Muenke syndrome (MNKES). Also called: MUENKE NONSYNDROMIC CORONAL CRANIOSYNOSTOSIS. Identifiers: Orphanet 53271, MedGen C1864436, MONDO:0011274, OMIM 602849.
Carcinoma of colon (CRC). Also called: Colonic carcinoma; Colon carcinoma. Identifiers: MedGen C0699790, MONDO:0002032.
Epidermal nevus. Also called: Nevus, epidermal, somatic; NEVUS, KERATINOCYTIC, NONEPIDERMOLYTIC. Identifiers: Orphanet 79414, MedGen C0334082, MONDO:0008093, OMIM 162900, HP:0010816.
Malignant tumor of urinary bladder. Also called: Urinary Bladder Neoplasms; Bladder cancer; Urinary bladder cancer. Identifiers: MedGen C0005684, MONDO:0001187, OMIM 109800.
Cervical cancer. Also called: Cervical cancer, somatic; Cancer of cervix; Cervix cancer. Identifiers: MedGen C4048328, MONDO:0002974, OMIM 603956, HP:0030079.
Malignant tumor of testis. Also called: Testicular cancer. Identifiers: MedGen C0153594, MONDO:0005447.
Severe achondroplasia-developmental delay-acanthosis nigricans syndrome. Also called: Severe achondroplasia with developmental delay and acanthosis nigricans; SADDAN dysplasia. Identifiers: Orphanet 85165, MedGen C2674173, MONDO:0014658, OMIM 616482.
Levy-Hollister syndrome (LADD). Also called: LADD syndrome. Identifiers: Orphanet 2363, MedGen C0265269, MONDO:0007872.
Crouzon syndrome-acanthosis nigricans syndrome. Also called: CROUZONODERMOSKELETAL SYNDROME. Identifiers: Orphanet 93262, MedGen C2677099, MONDO:0012833, OMIM 612247.
Camptodactyly-tall stature-scoliosis-hearing loss syndrome. Also called: CATSHL SYNDROME. Identifiers: Orphanet 85164, MedGen C1864852, MONDO:0012504, OMIM 610474.
Achondroplasia (ACH). Also called: Achondroplastic dwarfism. Identifiers: Orphanet 15, MedGen C0001080, MONDO:0007037, OMIM 100800. Disease mechanism: gain of function.
Thanatophoric dysplasia type 1 (TD1). Also called: Thanatophoric Dysplasia Type 1 (TD Type 1); PLATYSPONDYLIC LETHAL SKELETAL DYSPLASIA, SAN DIEGO TYPE; LETHAL SHORT-LIMBED PLATYSPONDYLIC DWARFISM, SAN DIEGO TYPE. Identifiers: Orphanet 1860, Orphanet 2655, MedGen C1868678, MONDO:0008546, OMIM 187600. Disease mechanism: gain of function.
Thanatophoric dysplasia, type 2 (TD2). Also called: Thanatophoric Dysplasia Type 2 (TD Type 2); THANATOPHORIC DYSPLASIA WITH KLEEBLATTSCHAEDEL; THANATOPHORIC DYSPLASIA WITH STRAIGHT FEMURS AND CLOVERLEAF SKULL; CLOVERLEAF SKULL WITH THANATOPHORIC DWARFISM. Identifiers: Orphanet 2655, Orphanet 93274, MedGen C1300257, MONDO:0008547, OMIM 187601. Disease mechanism: gain of function.
Connective tissue disorder. Also called: Connective tissue disease. Identifiers: MedGen C0009782, MONDO:0003900.
Germ cell tumor of testis (TGCT). Also called: GERM CELL TUMOR, SOMATIC; Testicular germ cell tumor. Identifiers: Orphanet 363504, MedGen C1336708, MONDO:0010108, OMIM 273300.
Colorectal cancer. Also called: Colorectal cancer, somatic; Malignant Colorectal Neoplasm. Identifiers: MedGen C0346629, MONDO:0005575, OMIM 114500.
Lacrimoauriculodentodigital syndrome 2 (LADD2). Also called: LADD SYNDROME 2. Identifiers: MedGen C5774286, MONDO:0859577, OMIM 620192.
FGFR3-related chondrodysplasia. Identifiers: Orphanet 93420, MedGen C5681604, MONDO:0019685.
FGFR3-related disorder. Also called: FGFR3-related disorders.
Seborrheic keratosis. Also called: Keratosis, seborrheic, somatic. Identifiers: MedGen C0022603, MONDO:0008420, OMIM 182000, HP:0031287.
Squamous cell lung carcinoma. Also called: Squamous cell carcinoma of lung; Lung cancer, squamous cell, somatic. Identifiers: MedGen C0149782, MONDO:0005097, HP:0030359.
Malignant neoplastic disease. Also called: Cancer. Identifiers: MedGen C0006826, MONDO:0004992.
Neoplasm. Also called: Neoplasms; Neoplasm (disease); tumor. Identifiers: MedGen C0027651, MeSH D009369, MONDO:0005070, HP:0002664.

Submissions 1 to 8 of 31:

Genomenon, Inc
Classification: Pathogenic for FGFR3-related chondrodysplasia. Last evaluated: 2026-06-23. Review status: criteria provided, single submitter. Criteria: Genomenon Sequence Variant Interpretation Standards - Updated. Collection method: curation. Allele origin: germline. Affected: yes.
Comment: FGFR3 p.Ser249Cys (c.746C>G) is a missense variant that changes the amino acid at codon 249 from Serine to Cysteine. This variant has been observed in at least one proband with an FGFR3-related disorder (PMID:25614871;30692697;22414243;10360402). A de novo occurrence of this variant has been observed in at least one affected individual (PMID:30692697;22414243). At least one functional study has demonstrated a substantial alteration in protein function relative to the wild-type (PMID:33368972;9438390;25606676). This variant is located in a mutational hotspot and/or important functional domain. It is absent or not present at a significant frequency in gnomAD. In silico models predict that this variant is possibly or probably damaging. In conclusion, we classify FGFR3 p.Ser249Cys (c.746C>G) as a pathogenic variant.

PreventionGenetics, part of Exact Sciences
Classification: Pathogenic for FGFR3-related condition. Last evaluated: 2026-05-09. Review status: criteria provided, single submitter. Criteria: ACMG Guidelines, 2015. Collection method: clinical testing. Allele origin: germline.
Comment: The FGFR3 c.746C>G variant is predicted to result in the amino acid substitution p.Ser249Cys. This variant has been reported to be causative for thanatophoric dysplasia in multiple patients (see example: De Biasio et al. 2000. PubMedID: 11038465; Xue et al. 2014. PubMed ID: 25614871; Zhang et al. 2019. PubMed ID: 30692697). It has been reported as a de novo finding and functional studies support its pathogenicity (Peng et al. 2021. PubMed ID: 34567078; Del Piccolo et al. 2015. PubMed ID: 25606676). This variant has not been reported in a large population database, indicating this variant is rare and has been consistently classified as pathogenic in ClinVar. This variant is interpreted as pathogenic.

Center for Genomic Medicine, Rigshospitalet, Copenhagen University Hospital
Classification: Oncogenic for Neoplasm. Last evaluated: 2025-12-29. Review status: criteria provided, single submitter. Criteria: ClinGen/CGC/VICC Guidelines for Oncogenicity, 2022. Collection method: clinical testing. Allele origin: somatic. Affected: yes.

Labcorp Genetics (formerly Invitae), Labcorp
Classification: Pathogenic. Last evaluated: 2025-12-15. Review status: criteria provided, single submitter. Criteria: Invitae Variant Classification Sherloc (09022015). Collection method: clinical testing. Allele origin: germline.
Comment: This sequence change replaces serine, which is neutral and polar, with cysteine, which is neutral and slightly polar, at codon 249 of the FGFR3 protein (p.Ser249Cys). This variant is not present in population databases (gnomAD no frequency). This missense change has been observed in individuals with thanatophoric dysplasia (PMID: 8589699, 11038465, 11879084). ClinVar contains an entry for this variant (Variation ID: 16339). Invitae Evidence Modeling incorporating data from in vitro experimental studies (internal data) indicates that this missense variant is expected to disrupt FGFR3 function with a positive predictive value of 95%. Experimental studies have shown that this missense change affects FGFR3 function (PMID: 17384684, 19749790, 25606676). For these reasons, this variant has been classified as Pathogenic.

Laboratory of Genetics, Children's Clinical University Hospital Latvia
Classification: Pathogenic. Last evaluated: 2025-02-16. Review status: criteria provided, single submitter. Criteria: ACMG Guidelines, 2015. Collection method: clinical testing. Allele origin: germline. Affected: yes.

Cytogenetics and Genomics Lab, Cyprus Institute Of Neurology and Genetics
Classification: Pathogenic for Thanatophoric dysplasia type 1. Last evaluated: 2024-07-20. Review status: criteria provided, single submitter. Criteria: ACGS Guidelines, 2020. Collection method: research. Allele origin: de novo. Affected: yes.
Comment: The variant was reported as pathogenic in ClinVar (30 submissions) (PS4_strong) and it is absent from gnomAD population database (PM2_supporting). In addition multple lines of computational evidence support a deleterious effect of the variant on the gene or gene product (PP3_moderate).

Genomic Medicine Center of Excellence, King Faisal Specialist Hospital and Research Centre
Classification: Pathogenic for Achondroplasia. Last evaluated: 2024-03-26. Review status: criteria provided, single submitter. Criteria: ACMG Guidelines, 2015. Collection method: clinical testing. Allele origin: germline.

CIViC Knowledgebase, Washington University School of Medicine
Classification: Oncogenic for Cancer. Last evaluated: 2024-02-16. Review status: criteria provided, single submitter. Criteria: ClinGen/CGC/VICC Guidelines for Oncogenicity, 2022. Collection method: curation. Allele origin: somatic. Affected: yes.
Comment: FGFR3 S249C drug sensitivity studies show clinical and in vitro sensitivity to erdafitnib (civic.EID:7306). Functional and oncogenic studies indicate ligand-independent dimerization, autophosphorylation, substrate phosphorylation, MAPK activation, proliferation, tumor growth in nude mice, anchorage-independent growth, and morphological transformation, supporting ClinGen/CGC/VICC oncogenicity criteria OS2 (civic.EID:10386, civic.EID:8855). In an online resource, all 114 FGFR3 samples with a mutation at position 249 had the same amino acid change from S to C supporting criteria OS3. FGFR3 S249C was absent in gnomAD (v2.1.1) supporting criteria OP4, and many in silico algorithms predict S249C to have damaging effects supporting criteria OP1. These criteria in total result in an oncogenicity score of 10 points, which categorizes FGFR3 S249C as an oncogenic variant.